The following is an entry in ClinVar:

NM_004360.5(CDH1):c.1239C>T (p.Tyr413=)

Gene: CDH1 (cadherin 1; plus strand). Cytogenetic location: 16q22.1.
Variant type: single nucleotide variant.
Coding change: c.1239C>T on transcript NM_004360.5 (MANE Select); coding-DNA position 1239, C replaced by T.
Protein change: p.Tyr413=; no amino-acid change (tyrosine 413 retained).
Molecular consequence: synonymous variant. On other transcripts: 5 prime UTR variant (2), intron variant (1).
Genome position (GRCh38, 1-based): chr16:68,813,414, C>T. VCF-style: chr16-68813414-C-T. GRCh37 (hg19) VCF-style: chr16-68847317-C-T.
Other names: c.1239C>T (LRG_301t1); c.-377C>T (NM_001317185.2); c.-581C>T (NM_001317186.2); c.1137+1151C>T (NM_001317184.2).
Identifiers: ClinVar variation 184347 (VCV000184347.31), dbSNP rs36074916, ClinGen allele CA188675.
Genomic context (GRCh38, chr16:68,813,414, plus strand): 5'-CACCACACTGAAAGTGACTGATGCTGATGCCCCCAATACCCCAGCGTGGGAGGCTGTATA[C>T]ACCATATTGAATGATGATGGTGGACAATTTGTCGTCACCACAAATCCAGTGAACAACGAT-3'
Protein context (NP_004351.1, residues 403-423): APNTPAWEAV[Tyr413=]TILNDDGGQF

ClinVar aggregate classification (germline): Benign/Likely benign. Review status: criteria provided, multiple submitters, no conflicts (2 of 4 stars). 16 submissions from 15 submitters: Benign (10); Likely benign (5). 1 of the submissions does not count toward it. Last evaluated 2026-02-03.

Conditions:
Familial cancer of breast. Also called: hereditary breast carcinoma; BREAST CANCER, FAMILIAL; Hereditary breast cancer. Identifiers: Orphanet 227535, MedGen C0346153, MONDO:0016419, OMIM 114480. Disease mechanism: loss of function.
Ovarian cancer. Also called: OVARIAN CANCER, SOMATIC. Identifiers: Orphanet 213500, MedGen C1140680, MONDO:0008170, OMIM 167000.
Hereditary cancer-predisposing syndrome. Also called: Neoplastic Syndromes, Hereditary; Hereditary neoplastic syndrome; Hereditary Cancer Syndrome; Tumor predisposition. Identifiers: Orphanet 140162, MedGen C0027672, MeSH D009386, MONDO:0015356.
Prostate cancer. Also called: Malignant tumor of prostate. Identifiers: Orphanet 1331, MedGen C0376358, MONDO:0008315, HP:0012125.
Hereditary diffuse gastric adenocarcinoma (HDGC). Also called: DIFFUSE GASTRIC AND LOBULAR BREAST CANCER SYNDROME. Identifiers: Orphanet 26106, MedGen C1708349, MONDO:0007648, OMIM 137215.

Allele frequency attached by ClinVar (database versions not stated): gnomAD exomes 0.00012 and 0.00004; ExAC 0.00016; gnomAD 0.00041 and 0.00050; TOPMed 0.00038; 1000 Genomes Project 30x 0.00125; ESP Exome Variant Server 0.00054; 1000 Genomes Project 0.00120.
gnomAD v4.1: 150 of 1,614,116 alleles (0.0093%); highest among the groups gnomAD compares: African/African-American, 0.16%; 3 homozygotes.

Submissions (16):

Labcorp Genetics (formerly Invitae), Labcorp
Classification: Benign for Hereditary diffuse gastric adenocarcinoma. Last evaluated: 2026-02-03. Review status: criteria provided, single submitter. Criteria: Invitae Variant Classification Sherloc (09022015). Collection method: clinical testing. Allele origin: germline.

KCCC/NGS Laboratory, Kuwait Cancer Control Center
Classification: Benign for Hereditary diffuse gastric adenocarcinoma. Last evaluated: 2025-02-01. Review status: criteria provided, single submitter. Criteria: ACMG Guidelines, 2015. Collection method: clinical testing. Allele origin: germline. Affected: no.

Blueprint Genetics
Classification: Likely benign. Last evaluated: 2024-07-18. Review status: criteria provided, single submitter. Criteria: ACMG Guidelines, 2015. Collection method: clinical testing. Allele origin: germline.

Institute for Biomarker Research, Medical Diagnostic Laboratories, L.L.C.
Classification: Benign for Hereditary cancer-predisposing syndrome. Last evaluated: 2024-01-23. Review status: criteria provided, single submitter. Criteria: ACMG Guidelines, 2015. Collection method: clinical testing. Allele origin: germline.

KCCC/NGS Laboratory, Kuwait Cancer Control Center
Classification: Benign for Familial prostate cancer. Last evaluated: 2023-07-07. Review status: criteria provided, single submitter. Criteria: ACMG Guidelines, 2015. Collection method: clinical testing. Allele origin: germline. Affected: yes.

Myriad Genetics, Inc.
Classification: Benign for Hereditary diffuse gastric adenocarcinoma. Last evaluated: 2023-03-06. Review status: criteria provided, single submitter. Criteria: Myriad Autosomal Dominant, Autosomal Recessive and X-Linked Classification Criteria (2023). Collection method: clinical testing. Allele origin: unknown.
Comment: This variant is considered benign. This variant is a silent/synonymous amino acid change and it is not expected to impact splicing.

Quest Diagnostics Nichols Institute San Juan Capistrano
Classification: Benign. Last evaluated: 2023-01-16. Review status: criteria provided, single submitter. Criteria: Quest Diagnostics criteria. Collection method: clinical testing. Allele origin: unknown.

Department of Pathology and Laboratory Medicine, Sinai Health System
Classification: Likely benign for Familial cancer of breast; Ovarian cancer. Last evaluated: 2022-09-30. Review status: criteria provided, single submitter. Criteria: ACMG Guidelines, 2015. Collection method: clinical testing. Allele origin: germline. Affected: yes.

European Reference Network on Genetic Tumour Risk Syndromes (ERN-GENTURIS), i3s - Instituto de Investigação e Inovação em Saúde, University of Porto
Classification: Likely benign for Hereditary diffuse gastric adenocarcinoma. Last evaluated: 2022-08-01. Review status: criteria provided, single submitter. Criteria: Lee et al. (Hum Mutat. 2018). Collection method: clinical testing. Allele origin: germline. Inheritance: Autosomal dominant inheritance. Affected: no. Study: ERN GENTURIS.
Comment: BS1 (PMID: 30311375)

Sema4
Classification: Benign for Hereditary cancer-predisposing syndrome. Last evaluated: 2021-07-30. Review status: criteria provided, single submitter. Criteria: Sema4 Curation Guidelines. Collection method: curation. Allele origin: germline.

Women's Health and Genetics/Laboratory Corporation of America, LabCorp
Classification: Benign. Last evaluated: 2017-10-31. Review status: criteria provided, single submitter. Criteria: LabCorp Variant Classification Summary - May 2015. Collection method: clinical testing. Allele origin: germline.
Comment: Variant summary: The CDH1 c.1239C>T (p.Tyr413Tyr) variant involves the alteration of a non-conserved nucleotide, resulting in a synonymous change. One in silico tool predicts a damaging outcome for this variant. 5/5 splice prediction tools predict no significant impact on normal splicing. ESE finder predicts that this variant may affect ESE sites at the locus. However, these predictions have yet to be confirmed by functional studies. This variant was found in 37/277230 control chromosomes, predominantly observed in the African subpopulation at a frequency of 0.001207 (29/24032). This frequency is about 43 times the estimated maximal expected allele frequency of a pathogenic CDH1 variant (0.0000283), suggesting this is likely a benign polymorphism found primarily in the populations of African origin. In addition, multiple clinical diagnostic laboratories/reputable databases classified this variant as benign or likely benign. Taken together, this variant is classified as benign.

Color Diagnostics, LLC DBA Color Health
Classification: Likely benign for Hereditary cancer-predisposing syndrome. Last evaluated: 2015-10-01. Review status: criteria provided, single submitter. Criteria: ACMG Guidelines, 2015. Collection method: clinical testing. Allele origin: germline.

GeneDx
Classification: Benign. Last evaluated: 2015-08-03. Review status: criteria provided, single submitter. Criteria: GeneDx Variant Classification (06012015). Collection method: clinical testing. Allele origin: germline. Affected: yes.
Comment: This variant is considered likely benign or benign based on one or more of the following criteria: it is a conservative change, it occurs at a poorly conserved position in the protein, it is predicted to be benign by multiple in silico algorithms, and/or has population frequency not consistent with disease.

Ambry Genetics
Classification: Likely benign for Hereditary cancer-predisposing syndrome. Last evaluated: 2014-07-29. Review status: criteria provided, single submitter. Criteria: Ambry Variant Classification Scheme 2023. Collection method: clinical testing. Allele origin: germline.

PreventionGenetics, part of Exact Sciences
Classification: Benign. Review status: criteria provided, single submitter. Criteria: ACMG Guidelines, 2015. Collection method: clinical testing. Allele origin: germline.

Counsyl
Classification: Likely benign for Hereditary diffuse gastric adenocarcinoma. Last evaluated: 2016-05-12. Review status: no assertion criteria provided. Collection method: clinical testing. Allele origin: unknown. Not counted in ClinVar's aggregate classification.

Literature cited by the submitters: PubMed 15750927 (cited by Quest Diagnostics Nichols Institute San Juan Capistrano and Women's Health and Genetics/Laboratory Corporation of America, LabCorp); PubMed 36436516 (cited by European Reference Network on Genetic Tumour Risk Syndromes (ERN-GENTURIS), i3s - Instituto de Investigação e Inovação em Saúde, University of Porto).